The following is an entry in ClinVar:

NM_000352.6(ABCC8):c.1903G>A (p.Ala635Thr)

Gene: ABCC8 (ATP binding cassette subfamily C member 8; minus strand). Cytogenetic location: 11p15.1.
Variant type: single nucleotide variant.
Coding change: c.1903G>A on transcript NM_000352.6 (MANE Select); coding-DNA position 1903, G replaced by A.
Protein change: p.Ala635Thr; replaces alanine 635 with threonine.
Molecular consequence: missense variant. On other transcripts: non-coding transcript variant (1).
Genome position (GRCh38, 1-based): chr11:17,428,585, C>T on the plus strand (G>A on the coding strand, the complement: ABCC8 is on the minus strand). VCF-style: chr11-17428585-C-T. GRCh37 (hg19) VCF-style: chr11-17450132-C-T.
Other names: c.1903G>A, p.Ala635Thr (NM_001287174.3, NM_001351295.2); c.1900G>A, p.Ala634Thr (NM_001351296.2, NM_001351297.2); short protein forms A634T, A635T.
Identifiers: ClinVar variation 3342320 (VCV003342320.3).
Genomic context (GRCh38, chr11:17,428,585, plus strand): 5'-GGACCATGCTGGGAGTAGCAAGGGGAGGCCGGGCACTCACCACCGCCTGGTACTTGCTGG[C>T]TGGGCCCTGAGGTGTGGGCTCATGGGGGGCACACTGCTCCTCACGGATCTCTGCACTGGA-3'
Protein context (NP_000343.2, residues 625-645): APHEPTPQGP[Ala635Thr]SKYQAVPLRV

ClinVar aggregate classification (germline): Uncertain significance. Review status: criteria provided, multiple submitters, no conflicts (2 of 4 stars). 2 submissions from 2 submitters: Uncertain significance (2). Last evaluated 2024-03-12.

gnomAD v4.1: 7 of 1,614,102 alleles (0.00043%); highest among the groups gnomAD compares: Non-Finnish European, 0.00042%; no homozygotes.

Submissions (2):

Labcorp Genetics (formerly Invitae), Labcorp
Classification: Uncertain significance. Last evaluated: 2024-03-12. Review status: criteria provided, single submitter. Criteria: Invitae Variant Classification Sherloc (09022015). Collection method: clinical testing. Allele origin: germline.
Comment: This sequence change replaces alanine, which is neutral and non-polar, with threonine, which is neutral and polar, at codon 635 of the ABCC8 protein (p.Ala635Thr). This variant is present in population databases (rs780373507, gnomAD 0.0009%). This variant has not been reported in the literature in individuals affected with ABCC8-related conditions. Advanced modeling of protein sequence and biophysical properties (such as structural, functional, and spatial information, amino acid conservation, physicochemical variation, residue mobility, and thermodynamic stability) performed at Invitae indicates that this missense variant is not expected to disrupt ABCC8 protein function with a negative predictive value of 95%. In summary, the available evidence is currently insufficient to determine the role of this variant in disease. Therefore, it has been classified as a Variant of Uncertain Significance.

GeneDx
Classification: Uncertain significance. Last evaluated: 2024-02-21. Review status: criteria provided, single submitter. Criteria: GeneDx Variant Classification Process June 2021. Collection method: clinical testing. Allele origin: germline. Affected: yes.
Comment: Observed in a patient with transient diabetes mellitus and ketoacidosis in published literature who also harbored a homozygous variant in another gene; the ABCC8 variant was inherited from the unaffected father (PMID: 28334746); In silico analysis supports that this missense variant does not alter protein structure/function; Not observed at significant frequency in large population cohorts (gnomAD); This variant is associated with the following publications: (PMID: 28334746)